The following is an entry in ClinVar:

NM_000052.7(ATP7A):c.410A>G (p.Asn137Ser)

Gene: ATP7A (ATPase copper transporting alpha; plus strand). Cytogenetic location: Xq21.1.
Variant type: single nucleotide variant.
Coding change: c.410A>G on transcript NM_000052.7 (MANE Select); coding-DNA position 410, A replaced by G.
Protein change: p.Asn137Ser; replaces asparagine 137 with serine.
Molecular consequence: missense variant.
Genome position (GRCh38, 1-based): chrX:77,988,531, A>G. VCF-style: chrX-77988531-A-G. GRCh37 (hg19) VCF-style: chrX-77244027-A-G.
Other names: c.410A>G (NM_000052.4); c.410A>G, p.Asn137Ser (NM_001282224.2); short protein forms N137S.
Identifiers: ClinVar variation 1353867 (VCV001353867.8), dbSNP rs2149082684, ClinGen allele CA413599743.

ClinVar aggregate classification (germline): Conflicting classifications of pathogenicity. Review status: criteria provided, conflicting classifications (1 of 4 stars). 2 submissions from 2 submitters: Uncertain significance (1); Likely benign (1). Last evaluated 2025-05-26.

Conditions:
Inborn genetic diseases. Identifiers: MedGen C0950123, MeSH D030342.
Cutis laxa, X-linked (OHS). Also called: EDS IX; Occipital horn syndrome. Identifiers: Orphanet 198, MedGen C0268353, MONDO:0010572, OMIM 304150.
X-linked distal spinal muscular atrophy type 3. Also called: SPINAL MUSCULAR ATROPHY, DISTAL, X-LINKED RECESSIVE; ATP7A-Related Distal Motor Neuropathy; NEURONOPATHY, DISTAL HEREDITARY MOTOR, X-LINKED; NEUROPATHY, DISTAL HEREDITARY MOTOR, X-LINKED. Identifiers: Orphanet 139557, MedGen C1845359, MONDO:0010338, OMIM 300489.
Menkes kinky-hair syndrome (MNK). Also called: Copper transport disease; Classic Menkes Disease; Menkes Disease. Identifiers: Orphanet 565, MedGen C0022716, MONDO:0010651, OMIM 309400.

gnomAD v4.1: 3 of 1,211,570 alleles (0.00025%); highest among the groups gnomAD compares: Middle Eastern, 0.023%; no homozygotes.

Submissions (2):

Labcorp Genetics (formerly Invitae), Labcorp
Classification: Uncertain significance for X-linked distal spinal muscular atrophy type 3; Cutis laxa, X-linked; Menkes kinky-hair syndrome. Last evaluated: 2025-05-26. Review status: criteria provided, single submitter. Criteria: Invitae Variant Classification Sherloc (09022015). Collection method: clinical testing. Allele origin: germline.
Comment: This sequence change replaces asparagine, which is neutral and polar, with serine, which is neutral and polar, at codon 137 of the ATP7A protein (p.Asn137Ser). This variant is not present in population databases (gnomAD no frequency). This variant has not been reported in the literature in individuals affected with ATP7A-related conditions. ClinVar contains an entry for this variant (Variation ID: 1353867). Invitae Evidence Modeling of protein sequence and biophysical properties (such as structural, functional, and spatial information, amino acid conservation, physicochemical variation, residue mobility, and thermodynamic stability) indicates that this missense variant is not expected to disrupt ATP7A protein function with a negative predictive value of 95%. In summary, the available evidence is currently insufficient to determine the role of this variant in disease. Therefore, it has been classified as a Variant of Uncertain Significance.

Ambry Genetics
Classification: Likely benign for Inborn genetic diseases. Last evaluated: 2024-12-11. Review status: criteria provided, single submitter. Criteria: Ambry Variant Classification Scheme 2023. Collection method: clinical testing. Allele origin: germline.